The following is an entry in ClinVar:

NM_001330700.2(TOP2B):c.1375A>G (p.Ile459Val)

Gene: TOP2B (DNA topoisomerase II beta; minus strand). Cytogenetic location: 3p24.2.
Variant type: single nucleotide variant.
Coding change: c.1375A>G on transcript NM_001330700.2 (MANE Select); coding-DNA position 1375, A replaced by G.
Protein change: p.Ile459Val; replaces isoleucine 459 with valine.
Molecular consequence: missense variant.
Genome position (GRCh38, 1-based): chr3:25,630,831, T>C on the plus strand (A>G on the coding strand, the complement: TOP2B is on the minus strand). VCF-style: chr3-25630831-T-C. GRCh37 (hg19) VCF-style: chr3-25672322-T-C.
Other names: c.1360A>G, p.Ile454Val (NM_001068.3); short protein forms I454V, I459V.
Identifiers: ClinVar variation 1408169 (VCV001408169.6), dbSNP rs202152951, ClinGen allele CA2288691.
Genomic context (GRCh38, chr3:25,630,831, plus strand): 5'-CAAAATCTTATTTAAAAATATCAATCTTACCAGCATCATTAGCATCATCCAGTTTGGGAA[T>C]ACCTTTGATTTTACTGTATTTTACTGATGAACACTTCTTATTCAGCTGAGTCTGAGCCTT-3'
Protein context (NP_001317629.1, residues 449-469): SSVKYSKIKG[Ile459Val]PKLDDANDAG

ClinVar aggregate classification (germline): Uncertain significance (1 of 4 stars; one submission).

Allele frequency attached by ClinVar (database versions not stated): gnomAD 0.00001; gnomAD exomes 0.00003 and 0.00006; ExAC 0.00005; TOPMed 0.00005.

Submission:

Labcorp Genetics (formerly Invitae), Labcorp
Classification: Uncertain significance. Last evaluated: 2025-08-10. Review status: criteria provided, single submitter. Criteria: Invitae Variant Classification Sherloc (09022015). Collection method: clinical testing. Allele origin: germline.
Comment: This sequence change replaces isoleucine, which is neutral and non-polar, with valine, which is neutral and non-polar, at codon 454 of the TOP2B protein (p.Ile454Val). This variant is present in population databases (rs202152951, gnomAD 0.05%), and has an allele count higher than expected for a pathogenic variant. This variant has not been reported in the literature in individuals affected with TOP2B-related conditions. ClinVar contains an entry for this variant (Variation ID: 1408169). An algorithm developed to predict the effect of missense changes on protein structure and function (PolyPhen-2) suggests that this variant is likely to be tolerated. In summary, the available evidence is currently insufficient to determine the role of this variant in disease. Therefore, it has been classified as a Variant of Uncertain Significance.